The following is an entry in ClinVar:

ClinVar aggregate classification (germline): Uncertain significance (1 of 4 stars; one submission).

Conditions:
Polycystic kidney disease, adult type (PKD1). Also called: POLYCYSTIC KIDNEY DISEASE 1 WITH OR WITHOUT POLYCYSTIC LIVER DISEASE; Polycystic Kidney Disease 1, Autosomal Dominant; Polycystic kidney disease 1; Polycystic kidney disease 1, severe; Polycystic Kidney, Autosomal Dominant; POLYCYSTIC KIDNEY DISEASE, ADULT, TYPE I. Identifiers: MedGen C3149841, MONDO:0008263, OMIM 173900.

Submission:

Neuberg Centre For Genomic Medicine, NCGM
Classification: Uncertain significance for Polycystic kidney disease, adult type. Review status: criteria provided, single submitter. Criteria: ACMG Guidelines, 2015. Collection method: clinical testing. Allele origin: germline. Inheritance: Autosomal dominant inheritance. Affected: yes.
Comment: The missense variant c.12326G>T (p.Arg4109Leu) in PKD1 gene has not been reported previously as a pathogenic variant nor as a benign variant, to our knowledge. The p.Arg4109Leu variant is novel (not in any individuals) in gnomAD Exomes and 1000 Genomes.The amino acid Arg at position 4109 is changed to a Leu changing protein sequence and it might alter its composition and physico-chemical properties. The variant is predicted to be damaging by PolyPhen2 and the residue is conserved across species. The amino acid change p.Arg4109Leu in PKD1 is predicted as conserved by GERP++ and PhyloP across 100 vertebrates. For these reasons, this variant has been classified as Uncertain Significance .

NM_001009944.3(PKD1):c.12326G>T (p.Arg4109Leu)

Gene: PKD1 (polycystin 1, transient receptor potential channel interacting; minus strand). Cytogenetic location: 16p13.3.
Variant type: single nucleotide variant.
Coding change: c.12326G>T on transcript NM_001009944.3 (MANE Select); coding-DNA position 12326, G replaced by T.
Protein change: p.Arg4109Leu; replaces arginine 4109 with leucine.
Molecular consequence: missense variant.
Genome position (GRCh38, 1-based): chr16:2,090,403, C>A on the plus strand (G>T on the coding strand, the complement: PKD1 is on the minus strand). VCF-style: chr16-2090403-C-A. GRCh37 (hg19) VCF-style: chr16-2140404-C-A.
Other names: c.12323G>T, p.Arg4108Leu (NM_000296.4); short protein forms R4108L, R4109L.
Identifiers: ClinVar variation 2585191 (VCV002585191.1), dbSNP rs1263418410, ClinGen allele CA394325393.